The following is an entry in ClinVar:

NM_017763.6(RNF43):c.1274C>T (p.Ser425Leu)

Gene: RNF43 (ring finger protein 43; minus strand). Cytogenetic location: 17q22.
Variant type: single nucleotide variant.
Coding change: c.1274C>T on transcript NM_017763.6 (MANE Select); coding-DNA position 1274, C replaced by T.
Protein change: p.Ser425Leu; replaces serine 425 with leucine.
Molecular consequence: missense variant.
Genome position (GRCh38, 1-based): chr17:58,358,502, G>A on the plus strand (C>T on the coding strand, the complement: RNF43 is on the minus strand). VCF-style: chr17-58358502-G-A. GRCh37 (hg19) VCF-style: chr17-56435863-G-A.
Other names: c.1274C>T, p.Ser425Leu (NM_001305544.3); c.893C>T, p.Ser298Leu (NM_001305545.2); short protein forms S425L, S298L.
Identifiers: ClinVar variation 1476586 (VCV001476586.8), dbSNP rs746259231, ClinGen allele CA8673205.

ClinVar aggregate classification (germline): Uncertain significance (1 of 4 stars; one submission).

Allele frequency attached by ClinVar (database versions not stated): gnomAD exomes below 0.00001 and 0.00001; ExAC 0.00001; TOPMed 0.00001.
gnomAD v4.1: 2 of 1,613,752 alleles (0.00012%); highest among the groups gnomAD compares: Admixed American, 0.0017%; no homozygotes.

Submission:

Labcorp Genetics (formerly Invitae), Labcorp
Classification: Uncertain significance. Last evaluated: 2024-03-28. Review status: criteria provided, single submitter. Criteria: Invitae Variant Classification Sherloc (09022015). Collection method: clinical testing. Allele origin: germline.
Comment: This sequence change replaces serine, which is neutral and polar, with leucine, which is neutral and non-polar, at codon 425 of the RNF43 protein (p.Ser425Leu). This variant is present in population databases (rs746259231, gnomAD 0.003%). This variant has not been reported in the literature in individuals affected with RNF43-related conditions. ClinVar contains an entry for this variant (Variation ID: 1476586). Algorithms developed to predict the effect of missense changes on protein structure and function output the following: SIFT: "Not Available"; PolyPhen-2: "Benign"; Align-GVGD: "Not Available". The leucine amino acid residue is found in multiple mammalian species, which suggests that this missense change does not adversely affect protein function. In summary, the available evidence is currently insufficient to determine the role of this variant in disease. Therefore, it has been classified as a Variant of Uncertain Significance.